The following is an entry in ClinVar:

ClinVar aggregate classification (germline): Uncertain significance (1 of 4 stars; one submission).

Allele frequency attached by ClinVar (database versions not stated): TOPMed 0.00001.

Submission:

Labcorp Genetics (formerly Invitae), Labcorp
Classification: Uncertain significance. Last evaluated: 2023-05-22. Review status: criteria provided, single submitter. Criteria: Invitae Variant Classification Sherloc (09022015). Collection method: clinical testing. Allele origin: germline.
Comment: This variant is not present in population databases (gnomAD no frequency). This sequence change replaces leucine, which is neutral and non-polar, with valine, which is neutral and non-polar, at codon 1950 of the MCM3AP protein (p.Leu1950Val). This variant has not been reported in the literature in individuals affected with MCM3AP-related conditions. An algorithm developed to predict the effect of missense changes on protein structure and function (PolyPhen-2) suggests that this variant is likely to be tolerated. In summary, the available evidence is currently insufficient to determine the role of this variant in disease. Therefore, it has been classified as a Variant of Uncertain Significance.

NM_003906.5(MCM3AP):c.5848C>G (p.Leu1950Val)

Genes: MCM3AP (minichromosome maintenance complex component 3 associated protein; minus strand), MCM3AP-AS1 (MCM3AP antisense RNA 1; plus strand). Cytogenetic location: 21q22.3.
Variant type: single nucleotide variant.
Coding change: c.5848C>G on transcript NM_003906.5 (MANE Select); coding-DNA position 5848, C replaced by G.
Protein change: p.Leu1950Val; replaces leucine 1950 with valine.
Molecular consequence: missense variant.
Genome position (GRCh38, 1-based): chr21:46,235,363, G>C on the plus strand (C>G on the coding strand, the complement: MCM3AP is on the minus strand). VCF-style: chr21-46235363-G-C. GRCh37 (hg19) VCF-style: chr21-47655277-G-C.
Other names: short protein forms L1950V.
Identifiers: ClinVar variation 2898030 (VCV002898030.3), dbSNP rs2080501085, ClinGen allele CA410532959.
Genomic context (GRCh38, chr21:46,235,363, plus strand): 5'-GGAGCTCAGAGGCAACTTCCTCTTCCCTTGAACTCCGGATCAGCCTTTCCAGGTGCTTTA[G>C]TCGTTCGCCTAGACACGTTCCTGTCGCCTCTGACAGCTGCAGTTGCTCCCTCATCATGTC-3'
Protein context (NP_003897.2, residues 1940-1960): EATGTCLGER[Leu1950Val]KHLERLIRSS